The following is an entry in ClinVar:

ClinVar aggregate classification (germline): Pathogenic. Review status: criteria provided, multiple submitters, no conflicts (2 of 4 stars). 4 submissions from 4 submitters: Pathogenic (4). Last evaluated 2025-10-08.

Conditions:
Hereditary cancer-predisposing syndrome. Also called: Hereditary neoplastic syndrome; Neoplastic Syndromes, Hereditary; Tumor predisposition; Hereditary Cancer Syndrome. Identifiers: Orphanet 140162, MedGen C0027672, MeSH D009386, MONDO:0015356.
Hereditary breast ovarian cancer syndrome. Also called: Hereditary breast and ovarian cancer syndrome; BRCA1- and BRCA2-Associated Hereditary Breast and Ovarian Cancer; Hereditary breast and ovarian cancer syndrome (HBOC); Hereditary breast and/or ovarian cancer syndrome; Breast and ovarian cancer; Hereditary breast and ovarian cancer. Identifiers: Orphanet 145, MedGen C0677776, MeSH D061325, MONDO:0003582. Disease mechanism: loss of function.
Familial cancer of breast. Also called: Hereditary breast cancer; BREAST CANCER, FAMILIAL; hereditary breast carcinoma. Identifiers: Orphanet 227535, MedGen C0346153, MONDO:0016419, OMIM 114480. Disease mechanism: loss of function.

Submissions (4):

Ambry Genetics
Classification: Pathogenic for Hereditary cancer-predisposing syndrome. Last evaluated: 2025-10-08. Review status: criteria provided, single submitter. Criteria: Ambry Variant Classification Scheme 2023. Collection method: clinical testing. Allele origin: germline.
Comment: The c.729dupT pathogenic mutation, located in coding exon 5 of the CHEK2 gene, results from a duplication of T at nucleotide position 729, causing a translational frameshift with a predicted alternate stop codon (p.K244*). This variant is considered to be rare based on population cohorts in the Genome Aggregation Database (gnomAD). This alteration is expected to result in loss of function by premature protein truncation or nonsense-mediated mRNA decay. As such, this alteration is interpreted as a disease-causing mutation.

Labcorp Genetics (formerly Invitae), Labcorp
Classification: Pathogenic for Familial cancer of breast. Last evaluated: 2024-05-21. Review status: criteria provided, single submitter. Criteria: Invitae Variant Classification Sherloc (09022015). Collection method: clinical testing. Allele origin: germline.
Comment: This sequence change creates a premature translational stop signal (p.Lys244*) in the CHEK2 gene. It is expected to result in an absent or disrupted protein product. Loss-of-function variants in CHEK2 are known to be pathogenic (PMID: 21876083, 24713400). This variant is not present in population databases (gnomAD no frequency). This variant has not been reported in the literature in individuals affected with CHEK2-related conditions. ClinVar contains an entry for this variant (Variation ID: 1684663). For these reasons, this variant has been classified as Pathogenic.

Myriad Genetics, Inc.
Classification: Pathogenic for Familial cancer of breast. Last evaluated: 2023-06-26. Review status: criteria provided, single submitter. Criteria: Myriad Autosomal Dominant, Autosomal Recessive and X-Linked Classification Criteria (2023). Collection method: clinical testing. Allele origin: unknown.
Comment: This variant is considered pathogenic. This variant creates a termination codon and is predicted to result in premature protein truncation.

Institute of Medical Genetics and Applied Genomics, University Hospital Tübingen
Classification: Pathogenic for Hereditary breast ovarian cancer syndrome. Last evaluated: 2022-05-24. Review status: criteria provided, single submitter. Criteria: ACMG Guidelines, 2015. Collection method: clinical testing. Allele origin: germline. Inheritance: Autosomal dominant inheritance. Affected: yes.

Literature cited by the submitters: PubMed 21876083 (cited by Labcorp Genetics (formerly Invitae), Labcorp); PubMed 24713400 (cited by Labcorp Genetics (formerly Invitae), Labcorp).

NM_007194.4(CHEK2):c.729dup (p.Lys244Ter)

Gene: CHEK2 (checkpoint kinase 2; minus strand). Cytogenetic location: 22q12.1.
Variant type: Duplication.
Coding change: c.729dup on transcript NM_007194.4 (MANE Select); coding-DNA position 729, one base duplicated (T; older notation c.729dupT).
Protein change: p.Lys244Ter; replaces lysine 244 with a stop codon.
Molecular consequence: nonsense. On other transcripts: frameshift variant (4).
Genome position (GRCh38, 1-based): chr22:28,711,972, A duplicated on the plus strand (T on the coding strand, the reverse complement: CHEK2 is on the minus strand). VCF-style (leftmost placement, unchanged base first): chr22-28711971-T-TA. GRCh37 (hg19) VCF-style: chr22-29107959-T-TA.
Other names: c.858dup, p.Lys287Terfs (NM_001005735.3); c.66dup, p.Lys23Terfs (NM_001257387.3); c.528dup, p.Lys177Terfs (NM_001349956.3); c.729dup, p.Lys244Terfs (NM_145862.3); c.729dupT (NM_007194.3); short protein forms K177*, K23*, K244*, K287*.
Identifiers: ClinVar variation 1684663 (VCV001684663.6), dbSNP rs2145951132, ClinGen allele CA2573157995.